The following is an entry in ClinVar:

NM_025144.4(ALPK1):c.2266G>A (p.Asp756Asn)

Gene: ALPK1 (alpha kinase 1; plus strand). Cytogenetic location: 4q25.
Variant type: single nucleotide variant.
Coding change: c.2266G>A on transcript NM_025144.4 (MANE Select); coding-DNA position 2266, G replaced by A.
Protein change: p.Asp756Asn; replaces aspartic acid 756 with asparagine.
Molecular consequence: missense variant.
Genome position (GRCh38, 1-based): chr4:112,431,813, G>A. VCF-style: chr4-112431813-G-A. GRCh37 (hg19) VCF-style: chr4-113352969-G-A.
Other names: c.2266G>A, p.Asp756Asn (NM_001102406.2); c.2032G>A, p.Asp678Asn (NM_001253884.2); short protein forms D678N, D756N.
Identifiers: ClinVar variation 2048311 (VCV002048311.4), dbSNP rs768671654, ClinGen allele CA3046888.

ClinVar aggregate classification (germline): Uncertain significance (1 of 4 stars; one submission).

Allele frequency attached by ClinVar (database versions not stated): gnomAD exomes 0.00001; ExAC 0.00003; gnomAD 0.00005.
gnomAD v4.1: 27 of 1,614,006 alleles (0.0017%); highest among the groups gnomAD compares: Middle Eastern, 0.016%; 1 homozygote.

Submission:

Labcorp Genetics (formerly Invitae), Labcorp
Classification: Uncertain significance. Last evaluated: 2025-04-11. Review status: criteria provided, single submitter. Criteria: Invitae Variant Classification Sherloc (09022015). Collection method: clinical testing. Allele origin: germline.
Comment: This sequence change replaces aspartic acid, which is acidic and polar, with asparagine, which is neutral and polar, at codon 756 of the ALPK1 protein (p.Asp756Asn). This variant is present in population databases (rs768671654, gnomAD 0.006%). This variant has not been reported in the literature in individuals affected with ALPK1-related conditions. ClinVar contains an entry for this variant (Variation ID: 2048311). Invitae Evidence Modeling of protein sequence and biophysical properties (such as structural, functional, and spatial information, amino acid conservation, physicochemical variation, residue mobility, and thermodynamic stability) indicates that this missense variant is not expected to disrupt ALPK1 protein function with a negative predictive value of 80%. In summary, the available evidence is currently insufficient to determine the role of this variant in disease. Therefore, it has been classified as a Variant of Uncertain Significance.